The following is an entry in ClinVar:

ClinVar aggregate classification (germline): Pathogenic (1 of 4 stars; one submission).

Conditions:
Familial thoracic aortic aneurysm and aortic dissection (TAAD). Also called: Thoracic aortic aneurysms and dissections. Identifiers: Orphanet 91387, MedGen C4707243, MONDO:0019625.
Marfan syndrome (MFS). Also called: MARFAN SYNDROME, TYPE I; Marfan syndrome type 1; Marfan's syndrome; Marfan syndrome, classic; FBN1-Related Marfan Syndrome. Identifiers: Orphanet 284963, Orphanet 558, MedGen C0024796, MONDO:0007947, OMIM 154700.

Submission:

Labcorp Genetics (formerly Invitae), Labcorp
Classification: Pathogenic for Marfan syndrome; Familial thoracic aortic aneurysm and aortic dissection. Last evaluated: 2022-10-09. Review status: criteria provided, single submitter. Criteria: Invitae Variant Classification Sherloc (09022015). Collection method: clinical testing. Allele origin: germline.
Comment: For these reasons, this variant has been classified as Pathogenic. This variant has not been reported in the literature in individuals affected with FBN1-related conditions. This variant is not present in population databases (gnomAD no frequency). This sequence change creates a premature translational stop signal (p.Arg86Glyfs*22) in the FBN1 gene. It is expected to result in an absent or disrupted protein product. Loss-of-function variants in FBN1 are known to be pathogenic (PMID: 17657824, 19293843).

Literature cited by the submitters: PubMed 17657824; PubMed 19293843.

NM_000138.5(FBN1):c.256del (p.Arg86fs)

Gene: FBN1 (fibrillin 1; minus strand). Cytogenetic location: 15q21.1.
Variant type: Deletion.
Coding change: c.256del on transcript NM_000138.5 (MANE Select); coding-DNA position 256, one base deleted (C; older notation c.256delC).
Protein change: p.Arg86fs; shifts the reading frame from arginine 86.
Molecular consequence: frameshift variant.
Genome position (GRCh38, 1-based): chr15:48,610,818, G deleted on the plus strand (C on the coding strand, the reverse complement: FBN1 is on the minus strand); the first of 2 consecutive G bases (chr15:48,610,818-48,610,819); deleting either gives the same sequence. VCF-style (leftmost placement, unchanged base first): chr15-48610817-CG-C. GRCh37 (hg19) VCF-style: chr15-48903014-CG-C.
Other names: c.255delC, p.Arg86Glyfs (NM_001406716.1, NM_001406717.1); short protein forms R86fs.
Identifiers: ClinVar variation 2034942 (VCV002034942.4), dbSNP rs2505775850, ClinGen allele CA2580089569.
Genomic context (GRCh38, chr15:48,610,817, plus strand): 5'-TGACCAGATGGGCAAGTGCACATATTTGGCCTCGAACAAAATCCATCCCCACAGGAATGC[CG>C]GCAAATGGCTGTGAATAAACCAGAGGTCTGTTAGCACATGGATTTGGAACACGATTTGTT-3'